The following is an entry in ClinVar:

NM_000051.4(ATM):c.3800A>T (p.Glu1267Val)

Gene: ATM (ATM serine/threonine kinase; plus strand). Cytogenetic location: 11q22.3.
Variant type: single nucleotide variant.
Coding change: c.3800A>T on transcript NM_000051.4 (MANE Select); coding-DNA position 3800, A replaced by T.
Protein change: p.Glu1267Val; replaces glutamic acid 1267 with valine.
Molecular consequence: missense variant.
Genome position (GRCh38, 1-based): chr11:108,284,280, A>T. VCF-style: chr11-108284280-A-T. GRCh37 (hg19) VCF-style: chr11-108155007-A-T.
Other names: c.3800A>T, p.Glu1267Val (NM_001351834.2); short protein forms E1267V.
Identifiers: ClinVar variation 524252 (VCV000524252.16), dbSNP rs781357995, ClinGen allele CA6265356.

ClinVar aggregate classification (germline): Uncertain significance. Review status: criteria provided, multiple submitters, no conflicts (2 of 4 stars). 4 submissions from 4 submitters: Uncertain significance (3). 1 of the submissions does not count toward it. Last evaluated 2024-12-06.

Conditions:
Ataxia-telangiectasia syndrome (AT). Also called: ATAXIA-TELANGIECTASIA, COMPLEMENTATION GROUP A; ATAXIA-TELANGIECTASIA, FRESNO VARIANT; Ataxia-telangiectasia; Ataxia-telangiectasia, complementation group D; AT, COMPLEMENTATION GROUP C; Ataxia-telangiectasia, complementation group E. Identifiers: Orphanet 100, MedGen C0004135, MONDO:0008840, OMIM 208900.
Hereditary cancer-predisposing syndrome. Also called: Neoplastic Syndromes, Hereditary; Tumor predisposition; Hereditary Cancer Syndrome; Hereditary neoplastic syndrome. Identifiers: Orphanet 140162, MedGen C0027672, MeSH D009386, MONDO:0015356.

Allele frequency attached by ClinVar (database versions not stated): gnomAD exomes below 0.00001; ExAC 0.00001.

Submissions (4):

Ambry Genetics
Classification: Uncertain significance for Hereditary cancer-predisposing syndrome. Last evaluated: 2024-12-06. Review status: criteria provided, single submitter. Criteria: Ambry Variant Classification Scheme 2023. Collection method: clinical testing. Allele origin: germline.
Comment: The p.E1267V variant (also known as c.3800A>T), located in coding exon 25 of the ATM gene, results from an A to T substitution at nucleotide position 3800. The glutamic acid at codon 1267 is replaced by valine, an amino acid with dissimilar properties. This amino acid position is not well conserved in available vertebrate species. In addition, this alteration is predicted to be tolerated by in silico analysis. Since supporting evidence is limited at this time, the clinical significance of this alteration remains unclear.

Labcorp Genetics (formerly Invitae), Labcorp
Classification: Uncertain significance for Ataxia-telangiectasia syndrome. Last evaluated: 2024-04-20. Review status: criteria provided, single submitter. Criteria: Invitae Variant Classification Sherloc (09022015). Collection method: clinical testing. Allele origin: germline.
Comment: This sequence change replaces glutamic acid, which is acidic and polar, with valine, which is neutral and non-polar, at codon 1267 of the ATM protein (p.Glu1267Val). This variant is present in population databases (rs781357995, gnomAD 0.0009%). This variant has not been reported in the literature in individuals affected with ATM-related conditions. ClinVar contains an entry for this variant (Variation ID: 524252). An algorithm developed to predict the effect of missense changes on protein structure and function (PolyPhen-2) suggests that this variant is likely to be tolerated. In summary, the available evidence is currently insufficient to determine the role of this variant in disease. Therefore, it has been classified as a Variant of Uncertain Significance.

Color Diagnostics, LLC DBA Color Health
Classification: Uncertain significance for Hereditary cancer-predisposing syndrome. Last evaluated: 2019-04-11. Review status: criteria provided, single submitter. Criteria: ACMG Guidelines, 2015. Collection method: clinical testing. Allele origin: germline.

Natera, Inc.
Classification: Uncertain significance for Ataxia-telangiectasia. Last evaluated: 2020-09-16. Review status: no assertion criteria provided. Collection method: clinical testing. Allele origin: germline. Not counted in ClinVar's aggregate classification.

Literature cited by the submitters: PubMed 29684080 (cited by Ambry Genetics).